The following is an entry in ClinVar:

ClinVar aggregate classification (germline): Uncertain significance (1 of 4 stars; one submission).

Submission:

Labcorp Genetics (formerly Invitae), Labcorp
Classification: Uncertain significance. Last evaluated: 2022-08-05. Review status: criteria provided, single submitter. Criteria: Invitae Variant Classification Sherloc (09022015). Collection method: clinical testing. Allele origin: germline.
Comment: In summary, the available evidence is currently insufficient to determine the role of this variant in disease. Therefore, it has been classified as a Variant of Uncertain Significance. Experimental studies and prediction algorithms are not available or were not evaluated, and the functional significance of this variant is currently unknown. This variant has not been reported in the literature in individuals affected with REEP6-related conditions. This variant is not present in population databases (gnomAD no frequency). This sequence change replaces asparagine, which is neutral and polar, with isoleucine, which is neutral and non-polar, at codon 59 of the REEP6 protein (p.Asn59Ile).

NM_138393.4(REEP6):c.176A>T (p.Asn59Ile)

Gene: REEP6 (receptor accessory protein 6; plus strand). Cytogenetic location: 19p13.3.
Variant type: single nucleotide variant.
Coding change: c.176A>T on transcript NM_138393.4 (MANE Select); coding-DNA position 176, A replaced by T.
Protein change: p.Asn59Ile; replaces asparagine 59 with isoleucine.
Molecular consequence: missense variant.
Genome position (GRCh38, 1-based): chr19:1,495,354, A>T. VCF-style: chr19-1495354-A-T. GRCh37 (hg19) VCF-style: chr19-1495353-A-T.
Other names: c.176A>T, p.Asn59Ile (NM_001329556.3); short protein forms N59I.
Identifiers: ClinVar variation 1713947 (VCV001713947.5), dbSNP rs145196601, ClinGen allele CA403056479.